The following is an entry in ClinVar:

ClinVar aggregate classification (germline): Pathogenic (1 of 4 stars; one submission).

Conditions:
Gorlin syndrome. Also called: Basal cell nevus syndrome; Nevoid Basal Cell Carcinoma Syndrome. Identifiers: Orphanet 377, MedGen C0004779, MONDO:0007187.

Submission:

Labcorp Genetics (formerly Invitae), Labcorp
Classification: Pathogenic for Gorlin syndrome. Last evaluated: 2023-09-06. Review status: criteria provided, single submitter. Criteria: Invitae Variant Classification Sherloc (09022015). Collection method: clinical testing. Allele origin: unknown.
Comment: This variant is a gross deletion of the genomic region encompassing exon(s) 2 of the PTCH1 gene. This deletion is out-of-frame, and is expected to create a premature termination codon and result in an absent or disrupted protein product. Loss-of-function variants in PTCH1 are known to be pathogenic (PMID: 16301862, 16419085). This variant has not been reported in the literature in individuals affected with PTCH1-related conditions. For these reasons, this variant has been classified as Pathogenic.

Literature cited by the submitters: PubMed 16301862; PubMed 16419085.

NC_000009.11:g.(?_98268679)_(98268891_?)del

Gene: PTCH1 (patched 1; minus strand). Cytogenetic location: 9q22.32.
Variant type: Deletion.
Identifiers: ClinVar variation 3245045 (VCV003245045.1).